The following is an entry in ClinVar:

NM_006648.4(WNK2):c.2935G>A (p.Val979Met)

Gene: WNK2 (WNK lysine deficient protein kinase 2; plus strand). Cytogenetic location: 9q22.31.
Variant type: single nucleotide variant.
Coding change: c.2935G>A on transcript NM_006648.4 (MANE Select); coding-DNA position 2935, G replaced by A.
Protein change: p.Val979Met; replaces valine 979 with methionine.
Molecular consequence: missense variant.
Genome position (GRCh38, 1-based): chr9:93,259,483, G>A. VCF-style: chr9-93259483-G-A. GRCh37 (hg19) VCF-style: chr9-96021765-G-A.
Other names: c.2935G>A, p.Val979Met (NM_001282394.3); short protein forms V979M.
Identifiers: ClinVar variation 5031980 (VCV005031980.1).
Genomic context (GRCh38, chr9:93,259,483, plus strand): 5'-CAACCCACGCTGCCCCCTCAACCTGTGTTGCCCCCGCAACCCACACGGCCCCCTCAACCT[G>A]TGCTGCCCCCGCAACCCATGCTGCCCCCACAACCTGTGCTGCCCCCGCAGCCGGCACTGC-3'
Protein context (NP_006639.3, residues 969-989): PPQPTRPPQP[Val979Met]LPPQPMLPPQ

ClinVar aggregate classification (germline): Uncertain significance (1 of 4 stars; one submission).

Submission:

Ambry Genetics
Classification: Uncertain significance. Last evaluated: 2026-09-08. Review status: criteria provided, single submitter. Criteria: Ambry Variant Classification Scheme 2023. Collection method: clinical testing. Allele origin: germline.
Comment: The p.V979M variant (also known as c.2935G>A), located in coding exon 11 of the WNK2 gene, results from a G to A substitution at nucleotide position 2935. The valine at codon 979 is replaced by methionine, an amino acid with highly similar properties. This amino acid position is conserved. In addition, this alteration is predicted to be tolerated by in silico analysis. Based on the available evidence, the clinical significance of this variant remains unclear.